The following is an entry in ClinVar:

NM_206933.4(USH2A):c.7573C>A (p.Pro2525Thr)

Gene: USH2A (usherin; minus strand). Cytogenetic location: 1q41.
Variant type: single nucleotide variant.
Coding change: c.7573C>A on transcript NM_206933.4 (MANE Select); coding-DNA position 7573, C replaced by A.
Protein change: p.Pro2525Thr; replaces proline 2525 with threonine.
Molecular consequence: missense variant.
Genome position (GRCh38, 1-based): chr1:215,900,096, G>T on the plus strand (C>A on the coding strand, the complement: USH2A is on the minus strand). VCF-style: chr1-215900096-G-T. GRCh37 (hg19) VCF-style: chr1-216073438-G-T.
Other names: c.7573C>A (NM_206933.2); short protein forms P2525T.
Identifiers: ClinVar variation 285536 (VCV000285536.7), dbSNP rs762553660, ClinGen allele CA1394800.

ClinVar aggregate classification (germline): Uncertain significance. Review status: criteria provided, multiple submitters, no conflicts (2 of 4 stars). 3 submissions from 3 submitters: Uncertain significance (3). Last evaluated 2026-06-21.

Conditions:
USH2A-related disorder. Also called: USH2A-related disorders; USH2A-related condition. Identifiers: MedGen CN239332.

Allele frequency attached by ClinVar (database versions not stated): ExAC 0.00002; gnomAD exomes 0.00002 and 0.00003; TOPMed 0.00005; gnomAD 0.00008 and 0.00009.
gnomAD v4.1: 54 of 1,613,700 alleles (0.0033%); highest among the groups gnomAD compares: African/African-American, 0.013%; no homozygotes.

Submissions (3):

PreventionGenetics, part of Exact Sciences
Classification: Uncertain significance for USH2A-related condition. Last evaluated: 2026-06-21. Review status: criteria provided, single submitter. Criteria: ACMG Guidelines, 2015. Collection method: clinical testing. Allele origin: germline.
Comment: The USH2A c.7573C>A variant is predicted to result in the amino acid substitution p.Pro2525Thr. To our knowledge, this variant has not been reported in the literature. This variant is reported in 0.0080% of alleles in individuals of African descent in gnomAD. At this time, the clinical significance of this variant is uncertain due to the absence of conclusive functional and genetic evidence.

Blueprint Genetics
Classification: Uncertain significance. Last evaluated: 2023-11-17. Review status: criteria provided, single submitter. Criteria: ACMG Guidelines, 2015. Collection method: clinical testing. Allele origin: germline.

Eurofins Ntd Llc (ga)
Classification: Uncertain significance. Last evaluated: 2016-01-19. Review status: criteria provided, single submitter. Criteria: EGL Classification Definitions 2015. Collection method: clinical testing. Allele origin: germline. Observed: 1 variant allele, 1 heterozygote.